The following is an entry in ClinVar:

NM_000543.5(SMPD1):c.362T>C (p.Leu121Pro)

Gene: SMPD1 (sphingomyelin phosphodiesterase 1; plus strand). Cytogenetic location: 11p15.4.
Variant type: single nucleotide variant.
Coding change: c.362T>C on transcript NM_000543.5 (MANE Select); coding-DNA position 362, T replaced by C.
Protein change: p.Leu121Pro; replaces leucine 121 with proline.
Molecular consequence: missense variant. On other transcripts: 5 prime UTR variant (1), non-coding transcript variant (2).
Genome position (GRCh38, 1-based): chr11:6,391,427, T>C. VCF-style: chr11-6391427-T-C. GRCh37 (hg19) VCF-style: chr11-6412657-T-C.
Other names: c.359T>C, p.Leu120Pro (NM_001007593.3); c.362T>C, p.Leu121Pro (NM_001318087.2, NM_001365135.2); c.-600T>C (NM_001318088.2); short protein forms L121P, L120P.
Identifiers: ClinVar variation 556008 (VCV000556008.6), dbSNP rs1554934109, ClinGen allele CA379368739.

ClinVar aggregate classification (germline): Likely pathogenic. Review status: criteria provided, multiple submitters, no conflicts (2 of 4 stars). 5 submissions from 5 submitters: Likely pathogenic (4). 1 of the submissions does not count toward it. Last evaluated 2025-12-17.

Conditions:
Niemann-Pick disease, type A. Also called: SPHINGOMYELIN LIPIDOSIS; SPHINGOMYELINASE DEFICIENCY; Infantile Neurovisceral ASMD (Niemann-Pick Disease Type A; NPD-A). Identifiers: Orphanet 77292, MedGen C0268242, MONDO:0009756, OMIM 257200. Disease mechanism: loss of function.
Sphingomyelin/cholesterol lipidosis. Also called: Niemann-Pick disease. Identifiers: MedGen C0028064, MONDO:0001982.

Submissions (5):

Natera, Inc.
Classification: Likely pathogenic for Niemann-Pick Disease, Types A/B. Last evaluated: 2025-12-17. Review status: criteria provided, single submitter. Criteria: Natera Variant Classification Schema (03/2026). Collection method: clinical testing. Allele origin: germline.
Comment: The c.362T>C variant in SMPD1 is a missense variant predicted to cause substitution of leucine to proline at amino acid 121. This variant is rare in the general population with a frequency below the threshold expected for the associated phenotype(s). This variant has been observed in one or more individuals affected with the associated recessive disease, as either homozygous or compound heterozygous with a second variant (PMID: 26981555, 36779112). This variant has been identified in one or more affected individuals with a phenotype highly consistent with the associated gene (PMID: 26981555, 36779112). Computational prediction algorithms indicate this variant is likely to affect gene or protein function. Given the available evidence, this variant is classified as Likely Pathogenic.

GeneDx
Classification: Likely pathogenic. Last evaluated: 2024-12-11. Review status: criteria provided, single submitter. Criteria: GeneDx Variant Classification Process June 2021. Collection method: clinical testing. Allele origin: germline. Affected: yes.
Comment: Identified in the presence of a second SMPD1 variant in patients with clinical and biochemical features consistent with SMPD1-related acid sphingomyelinase deficiency referred for genetic testing at GeneDx and in the published literature (PMID: 36779112); Not observed at significant frequency in large population cohorts (gnomAD); In silico analysis supports that this missense variant has a deleterious effect on protein structure/function; This variant is associated with the following publications: (PMID: 26981555, 36779112)

Women's Health and Genetics/Laboratory Corporation of America, LabCorp
Classification: Likely pathogenic for Sphingomyelin/cholesterol lipidosis. Last evaluated: 2024-12-10. Review status: criteria provided, single submitter. Criteria: LabCorp Variant Classification Summary - May 2015. Collection method: clinical testing. Allele origin: germline.
Comment: Variant summary: SMPD1 c.362T>C (p.Leu121Pro) results in a non-conservative amino acid change located in the saposin B type domain (IPR008139) of the encoded protein sequence. Four of four in-silico tools predict a damaging effect of the variant on protein function. The variant was absent in 251300 control chromosomes (gnomAD). c.362T>C has been reported in the literature in individuals including homozygotes affected with Niemann-Pick Disease (examples: Reunert_2015; Velez-Pinos_2023). These data indicate that the variant is likely to be associated with disease. To our knowledge, no experimental evidence demonstrating an impact on protein function has been reported. The following publications have been ascertained in the context of this evaluation (PMID: 26981555, 36779112). ClinVar contains an entry for this variant (Variation ID: 556008). Based on the evidence outlined above, the variant was classified as likely pathogenic.

Baylor Genetics
Classification: Likely pathogenic for Niemann-Pick disease, type A. Last evaluated: 2023-04-25. Review status: criteria provided, single submitter. Criteria: ACMG Guidelines, 2015. Collection method: clinical testing. Allele origin: unknown.

Counsyl
Classification: Uncertain significance for Niemann-Pick disease, type A. Last evaluated: 2018-01-08. Review status: no assertion criteria provided. Collection method: clinical testing. Allele origin: unknown. Not counted in ClinVar's aggregate classification.

Literature cited by the submitters: PubMed 26981555 (cited by 3 submitters); PubMed 36779112 (cited by Natera, Inc. and Women's Health and Genetics/Laboratory Corporation of America, LabCorp).